The following is an entry in ClinVar:

NM_001164508.2(NEB):c.16975dup (p.Ile5659fs)

Gene: NEB (nebulin; minus strand). Cytogenetic location: 2q23.3.
Variant type: Duplication.
Coding change: c.16975dup on transcript NM_001164508.2 (MANE Select); coding-DNA position 16975, one base duplicated (A; older notation c.16975dupA).
Protein change: p.Ile5659fs; shifts the reading frame from isoleucine 5659.
Molecular consequence: frameshift variant.
Genome position (GRCh38, 1-based): chr2:151,575,733, T duplicated on the plus strand (A on the coding strand, the reverse complement: NEB is on the minus strand); the first of 3 consecutive T bases (chr2:151,575,733-151,575,735); duplicating any one gives the same sequence. VCF-style (leftmost placement, unchanged base first): chr2-151575732-A-AT. GRCh37 (hg19) VCF-style: chr2-152432246-A-AT.
Other names: c.16975dupA (NM_001271208.1); c.16975dup, p.Ile5659fs (NM_001164507.2, NM_001271208.2); c.11872dup, p.Ile3958fs (NM_004543.5); short protein forms I3958fs, I5659fs.
Identifiers: ClinVar variation 4814731 (VCV004814731.1).

ClinVar aggregate classification (germline): Likely pathogenic (1 of 4 stars; one submission).

Conditions:
Nemaline myopathy 2 (NEM2). Also called: Nemaline myopathy 2, autosomal recessive. Identifiers: MedGen C1850569, MONDO:0009725, OMIM 256030.

Submission:

Natera, Inc.
Classification: Likely pathogenic for Nemaline myopathy type 2. Last evaluated: 2024-03-31. Review status: criteria provided, single submitter. Criteria: Natera Variant Classification Schema (03/2026). Collection method: clinical testing. Allele origin: germline.
Comment: The c.16975dupA variant in NEB is a frameshift variant predicted to shift the reading frame beginning at codon 5659 and leads to a stop codon 2 codons downstream. This variant is expected to result in nonsense mediated decay, truncation, or a dysfunctional protein product. This variant is rare in the general population with a frequency below the threshold expected for the associated phenotype(s). Given the available evidence, this variant is classified as Likely Pathogenic.